The following is an entry in ClinVar:

ClinVar aggregate classification (germline): Conflicting classifications of pathogenicity. Review status: criteria provided, conflicting classifications (1 of 4 stars). 4 submissions from 4 submitters: Likely pathogenic (2); Uncertain significance (1); Benign (1). Last evaluated 2026-01-12.

Conditions:
Glucocorticoid-remediable aldosteronism. Also called: GLUCOCORTICOID-SUPPRESSIBLE HYPERALDOSTERONISM; Hyperaldosteronism, familial, type I; ACTH-DEPENDENT HYPERALDOSTERONISM SYNDROME; ALDOSTERONISM, SENSITIVE TO DEXAMETHASONE; FH I. Identifiers: Orphanet 403, MedGen C3838731, MONDO:0007080, OMIM 103900.
Deficiency of steroid 11-beta-monooxygenase (CYP11B1). Also called: ADRENAL HYPERPLASIA IV; ADRENAL HYPERPLASIA, CONGENITAL, DUE TO STEROID 11-BETA-HYDROXYLASE DEFICIENCY; P450C11B1 DEFICIENCY; STEROID 11-BETA-HYDROXYLASE DEFICIENCY; Congenital adrenal hyperplasia due to 11-beta-hydroxylase deficiency; 11-BETA-HYDROXYLASE DEFICIENCY. Identifiers: Orphanet 90795, MedGen C0268292, MONDO:0008729, OMIM 202010. Disease mechanism: loss of function.

Allele frequency attached by ClinVar (database versions not stated): ExAC 0.00007; gnomAD exomes 0.00011 and 0.00038; gnomAD 0.00014; TOPMed 0.00015; ESP Exome Variant Server 0.00046.

Submissions (4):

Women's Health and Genetics/Laboratory Corporation of America, LabCorp
Classification: Uncertain significance. Last evaluated: 2026-01-12. Review status: criteria provided, single submitter. Criteria: LabCorp Variant Classification Summary - May 2015. Collection method: clinical testing. Allele origin: germline.
Comment: Variant summary: CYP11B1 c.449C>T (p.Ser150Leu) results in a non-conservative amino acid change in the encoded protein sequence. Algorithms developed to predict the effect of missense changes on protein structure and function are either unavailable or do not agree on the potential impact of this missense change. The variant allele was found at a frequency of 0.00011 in 251246 control chromosomes. This frequency is not significantly higher than estimated for disease-causing variants in CYP11B1, allowing no conclusion about variant significance. c.449C>T has been observed in a compound heterozygous individual affected with Congenital Adrenal Hyperplasia (Polat_2014). These data do not allow any conclusion about variant significance. At least one publication reports experimental evidence evaluating an impact on protein function. The most pronounced variant effect resulted in approximately 19% of activity compared to the wild type protein (Polat_2014). The following publications have been ascertained in the context of this evaluation (PMID: 24536089, 31980526). ClinVar contains an entry for this variant (Variation ID: 632517). Based on the evidence outlined above, the variant was classified as VUS-possibly pathogenic.

Fulgent Genetics
Classification: Likely pathogenic for Glucocorticoid-remediable aldosteronism; Deficiency of steroid 11-beta-monooxygenase. Last evaluated: 2024-04-16. Review status: criteria provided, single submitter. Criteria: ACMG Guidelines, 2015. Collection method: clinical testing. Allele origin: germline.

Baylor Genetics
Classification: Likely pathogenic for Deficiency of steroid 11-beta-monooxygenase. Last evaluated: 2024-03-25. Review status: criteria provided, single submitter. Criteria: ACMG Guidelines, 2015. Collection method: clinical testing. Allele origin: unknown.

Illumina Laboratory Services, Illumina
Classification: Benign for Glucocorticoid-remediable aldosteronism. Last evaluated: 2017-04-27. Review status: criteria provided, single submitter. Criteria: ICSL Variant Classification Criteria 13 December 2019. Collection method: clinical testing. Allele origin: germline.
Comment: This variant was observed as part of a predisposition screen in an ostensibly healthy population. A literature search was performed for the gene, cDNA change, and amino acid change (where applicable). No publications were found based on this search. Allele frequency data from public databases was too high to be consistent with this variant causing disease. Therefore, this variant is classified as benign.

Literature cited by the submitters: PubMed 31980526 (cited by Women's Health and Genetics/Laboratory Corporation of America, LabCorp); PubMed 24536089 (cited by Women's Health and Genetics/Laboratory Corporation of America, LabCorp).

NM_000497.4(CYP11B1):c.449C>T (p.Ser150Leu)

Genes: CYP11B1 (cytochrome P450 family 11 subfamily B member 1; minus strand), LOC106799833 (CYP11B1 recombination region; plus strand). Cytogenetic location: 8q24.3.
Variant type: single nucleotide variant.
Coding change: c.449C>T on transcript NM_000497.4 (MANE Select); coding-DNA position 449, C replaced by T.
Protein change: p.Ser150Leu; replaces serine 150 with leucine.
Molecular consequence: missense variant.
Genome position (GRCh38, 1-based): chr8:142,877,169, G>A on the plus strand (C>T on the coding strand, the complement: CYP11B1 is on the minus strand). VCF-style: chr8-142877169-G-A. GRCh37 (hg19) VCF-style: chr8-143958585-G-A.
Other names: c.449C>T, p.Ser150Leu (NM_001026213.1); short protein forms S150L.
Identifiers: ClinVar variation 632517 (VCV000632517.10), dbSNP rs142484434, ClinGen allele CA4905438.